The following is an entry in ClinVar:

NM_001370100.5(ZMYND11):c.890A>G (p.Lys297Arg)

Gene: ZMYND11 (zinc finger MYND-type containing 11; plus strand). Cytogenetic location: 10p15.3.
Variant type: single nucleotide variant.
Coding change: c.890A>G on transcript NM_001370100.5 (MANE Select); coding-DNA position 890, A replaced by G.
Protein change: p.Lys297Arg; replaces lysine 297 with arginine.
Molecular consequence: missense variant. On other transcripts: non-coding transcript variant (1).
Genome position (GRCh38, 1-based): chr10:242,079, A>G. VCF-style: chr10-242079-A-G. GRCh37 (hg19) VCF-style: chr10-288019-A-G.
Other names: c.728A>G, p.Lys243Arg (NM_001202464.3, NM_001202467.1, NM_001370103.2 and 6 more transcripts); c.635A>G, p.Lys212Arg (NM_001202465.3, NM_001370110.2); c.725A>G, p.Lys242Arg (NM_001202466.3, NM_001370111.2); c.890A>G, p.Lys297Arg (NM_001202468.1, NM_001370097.3, NM_001370098.2 and 5 more transcripts); c.839A>G, p.Lys280Arg (NM_001330057.3, NM_001370112.2); c.797A>G, p.Lys266Arg (NM_001370113.2, NM_001370114.2); c.887A>G, p.Lys296Arg (NM_001370115.2, NM_212479.4); c.824A>G, p.Lys275Arg (NM_001370116.2); and 7 more; short protein forms K140R, K178R, K195R, K203R, K212R, K221R, K242R, K243R.
Identifiers: ClinVar variation 4976314 (VCV004976314.1).

ClinVar aggregate classification (germline): Uncertain significance (1 of 4 stars; one submission).

Submission:

GeneDx
Classification: Uncertain significance. Last evaluated: 2026-02-05. Review status: criteria provided, single submitter. Criteria: GeneDx Variant Classification Process June 2021. Collection method: clinical testing. Allele origin: germline.
Comment: Not observed at significant frequency in large population cohorts (gnomAD); In silico analysis supports that this missense variant has a deleterious effect on protein structure/function; Has not been previously published as pathogenic or benign to our knowledge